The following is an entry in ClinVar:

NM_020745.4(AARS2):c.2861C>T (p.Ala954Val)

Gene: AARS2 (alanyl-tRNA synthetase 2, mitochondrial; minus strand). Cytogenetic location: 6p21.1.
Variant type: single nucleotide variant.
Coding change: c.2861C>T on transcript NM_020745.4 (MANE Select); coding-DNA position 2861, C replaced by T.
Protein change: p.Ala954Val; replaces alanine 954 with valine.
Molecular consequence: missense variant.
Genome position (GRCh38, 1-based): chr6:44,300,644, G>A on the plus strand (C>T on the coding strand, the complement: AARS2 is on the minus strand). VCF-style: chr6-44300644-G-A. GRCh37 (hg19) VCF-style: chr6-44268381-G-A.
Other names: p.A954V:GCG>GTG; short protein forms A954V.
Identifiers: ClinVar variation 213961 (VCV000213961.16), dbSNP rs747312867, ClinGen allele CA321196.

ClinVar aggregate classification (germline): Conflicting classifications of pathogenicity. Review status: criteria provided, conflicting classifications (1 of 4 stars). 3 submissions from 3 submitters: Uncertain significance (2); Likely benign (1). Last evaluated 2025-12-30.

Conditions:
Inborn genetic diseases. Identifiers: MedGen C0950123, MeSH D030342.

Allele frequency attached by ClinVar (database versions not stated): gnomAD 0.00003; TOPMed 0.00010; ExAC 0.00014; gnomAD exomes 0.00017.
gnomAD v4.1: 61 of 1,613,750 alleles (0.0038%); highest among the groups gnomAD compares: Admixed American, 0.088%; no homozygotes.

Submissions (3):

Labcorp Genetics (formerly Invitae), Labcorp
Classification: Likely benign. Last evaluated: 2025-12-30. Review status: criteria provided, single submitter. Criteria: Invitae Variant Classification Sherloc (09022015). Collection method: clinical testing. Allele origin: germline.

GeneDx
Classification: Uncertain significance. Last evaluated: 2025-09-10. Review status: criteria provided, single submitter. Criteria: GeneDx Variant Classification Process June 2021. Collection method: clinical testing. Allele origin: germline. Affected: yes.
Comment: In silico analysis supports that this missense variant has a deleterious effect on protein structure/function; Has not been previously published as pathogenic or benign to our knowledge; This variant is associated with the following publications: (PMID: 26689913, 25326804)

Ambry Genetics
Classification: Uncertain significance for Inborn genetic diseases. Last evaluated: 2023-02-16. Review status: criteria provided, single submitter. Criteria: Ambry Variant Classification Scheme 2023. Collection method: clinical testing. Allele origin: germline.